The following is an entry in ClinVar:

NM_002354.3(EPCAM):c.533C>T (p.Pro178Leu)

Gene: EPCAM (epithelial cell adhesion molecule; plus strand). Cytogenetic location: 2p21.
Variant type: single nucleotide variant.
Coding change: c.533C>T on transcript NM_002354.3 (MANE Select); coding-DNA position 533, C replaced by T.
Protein change: p.Pro178Leu; replaces proline 178 with leucine.
Molecular consequence: missense variant.
Genome position (GRCh38, 1-based): chr2:47,377,055, C>T. VCF-style: chr2-47377055-C-T. GRCh37 (hg19) VCF-style: chr2-47604194-C-T.
Other names: short protein forms P178L.
Identifiers: ClinVar variation 219824 (VCV000219824.7), dbSNP rs772471530, ClinGen allele CA350089.

ClinVar aggregate classification (germline): Uncertain significance (1 of 4 stars; one submission).

Allele frequency attached by ClinVar (database versions not stated): gnomAD exomes 0.00001 and 0.00004; TOPMed 0.00002; gnomAD 0.00004.
gnomAD v4.1: 65 of 1,606,764 alleles (0.004%); highest among the groups gnomAD compares: Non-Finnish European, 0.0054%; no homozygotes.

Submission:

Labcorp Genetics (formerly Invitae), Labcorp
Classification: Uncertain significance. Last evaluated: 2015-08-12. Review status: criteria provided, single submitter. Criteria: Invitae Variant Classification Sherloc (09022015). Collection method: clinical testing. Allele origin: germline.
Comment: Algorithms developed to predict the effect of missense changes on protein structure and function (SIFT, PolyPhen-2, Align-GVGD) all suggest that this variant is likely to be tolerated, but these predictions have not been confirmed by published functional studies. In summary, this is a novel missense change that is not predicted to affect protein function or cause disease. However, the evidence is insufficient at this time to prove that conclusively. It has been classified as a Variant of Uncertain Significance. This variant is not present in population databases and has not been published in the literature. This sequence change replaces proline with leucine at codon 178 of the EPCAM protein (p.Pro178Leu). The proline residue is moderately conserved and there is a moderate physicochemical difference between proline and leucine.